The following is an entry in ClinVar:

ClinVar aggregate classification (germline): Uncertain significance (1 of 4 stars; one submission).

Conditions:
Aicardi-Goutieres syndrome 4. Identifiers: Orphanet 51, MedGen C1835912, MONDO:0012472, OMIM 610333.

Submission:

Labcorp Genetics (formerly Invitae), Labcorp
Classification: Uncertain significance for Aicardi-Goutieres syndrome 4. Last evaluated: 2022-07-25. Review status: criteria provided, single submitter. Criteria: Invitae Variant Classification Sherloc (09022015). Collection method: clinical testing. Allele origin: germline.
Comment: Algorithms developed to predict the effect of missense changes on protein structure and function (SIFT, PolyPhen-2, Align-GVGD) all suggest that this variant is likely to be tolerated. This variant has not been reported in the literature in individuals affected with RNASEH2A-related conditions. This variant is not present in population databases (gnomAD no frequency). This sequence change replaces threonine, which is neutral and polar, with asparagine, which is neutral and polar, at codon 204 of the RNASEH2A protein (p.Thr204Asn). In summary, the available evidence is currently insufficient to determine the role of this variant in disease. Therefore, it has been classified as a Variant of Uncertain Significance.

NM_006397.3(RNASEH2A):c.611C>A (p.Thr204Asn)

Gene: RNASEH2A (ribonuclease H2 subunit A; plus strand). Cytogenetic location: 19p13.13.
Variant type: single nucleotide variant.
Coding change: c.611C>A on transcript NM_006397.3 (MANE Select); coding-DNA position 611, C replaced by A.
Protein change: p.Thr204Asn; replaces threonine 204 with asparagine.
Molecular consequence: missense variant.
Genome position (GRCh38, 1-based): chr19:12,810,378, C>A. VCF-style: chr19-12810378-C-A. GRCh37 (hg19) VCF-style: chr19-12921192-C-A.
Other names: short protein forms T204N.
Identifiers: ClinVar variation 1713805 (VCV001713805.5), dbSNP rs752708054, ClinGen allele CA404267814.
Genomic context (GRCh38, chr19:12,810,378, plus strand): 5'-TGGCCCGGGACCAGGCCGTGAAGAAATGGCAGTTCGTGGAGAAACTGCAGGACTTGGATA[C>A]TGATTATGGCTCAGGCTACCCCAATGGTGAGCAGACACGTGACCATGGTACTAATGTTGA-3'
Protein context (NP_006388.2, residues 194-214): QFVEKLQDLD[Thr204Asn]DYGSGYPNDP